The following is an entry in ClinVar:

GRCh38/hg38 11q13.1(chr11:65881597-65893890)x3

Genes: CCDC85B (coiled-coil domain containing 85B; plus strand), CTSW (cathepsin W; plus strand), FIBP (FGF1 intracellular binding protein; minus strand), FOSL1 (FOS like 1, AP-1 transcription factor subunit; minus strand), LOC130006079 (ATAC-STARR-seq lymphoblastoid active region 5017; plus strand) and 5 more. Cytogenetic location: 11q13.1.
Variant type: copy number gain.
Change: copy number 3 (three copies instead of two) of chr11:65,881,597-65,893,890 (12.3 kb, GRCh38 coordinates, 1-based), cytogenetic band 11q13.1.
Identifiers: ClinVar variation 58163 (VCV000058163.1).

ClinVar aggregate classification (germline): Uncertain significance (1 of 4 stars; one submission).

Submission:

ISCA site 15
Classification: Uncertain significance. Last evaluated: 2011-08-12. Review status: criteria provided, single submitter. Criteria: Kaminsky et al. (Genet Med. 2011). Collection method: clinical testing. Allele origin: unknown. Affected: yes. Observed: 1 variant allele.
Comment: Copy number variation identified through the course of routine clinical cytogenomic testing in postnatal populations. Clinical assertions have been curated as described in Kaminsky et al. 2011.